The following is an entry in ClinVar:

ClinVar aggregate classification (germline): Uncertain significance. Review status: criteria provided, multiple submitters, no conflicts (2 of 4 stars). 2 submissions from 2 submitters: Uncertain significance (2). Last evaluated 2025-08-10.

Conditions:
Hereditary cancer-predisposing syndrome. Also called: Neoplastic Syndromes, Hereditary; Hereditary neoplastic syndrome; Tumor predisposition; Hereditary Cancer Syndrome. Identifiers: Orphanet 140162, MedGen C0027672, MeSH D009386, MONDO:0015356.

Allele frequency attached by ClinVar (database versions not stated): TOPMed below 0.00001.

Submissions (2):

Ambry Genetics
Classification: Uncertain significance for Hereditary cancer-predisposing syndrome. Last evaluated: 2025-08-10. Review status: criteria provided, single submitter. Criteria: Ambry Variant Classification Scheme 2023. Collection method: clinical testing. Allele origin: germline.
Comment: The p.Q799R variant (also known as c.2396A>G), located in coding exon 14 of the RAD50 gene, results from an A to G substitution at nucleotide position 2396. The glutamine at codon 799 is replaced by arginine, an amino acid with highly similar properties. This amino acid position is conserved. In addition, this alteration is predicted to be tolerated by in silico analysis. Based on the available evidence, the clinical significance of this variant remains unclear.

Labcorp Genetics (formerly Invitae), Labcorp
Classification: Uncertain significance for Hereditary cancer-predisposing syndrome. Last evaluated: 2024-03-16. Review status: criteria provided, single submitter. Criteria: Invitae Variant Classification Sherloc (09022015). Collection method: clinical testing. Allele origin: germline.
Comment: This sequence change replaces glutamine, which is neutral and polar, with arginine, which is basic and polar, at codon 799 of the RAD50 protein (p.Gln799Arg). This variant is not present in population databases (gnomAD no frequency). This variant has not been reported in the literature in individuals affected with RAD50-related conditions. ClinVar contains an entry for this variant (Variation ID: 240225). An algorithm developed to predict the effect of missense changes on protein structure and function (PolyPhen-2) suggests that this variant is likely to be tolerated. In summary, the available evidence is currently insufficient to determine the role of this variant in disease. Therefore, it has been classified as a Variant of Uncertain Significance.

NM_005732.4(RAD50):c.2396A>G (p.Gln799Arg)

Gene: RAD50 (RAD50 double strand break repair protein; plus strand). Cytogenetic location: 5q31.1.
Variant type: single nucleotide variant.
Coding change: c.2396A>G on transcript NM_005732.4 (MANE Select); coding-DNA position 2396, A replaced by G.
Protein change: p.Gln799Arg; replaces glutamine 799 with arginine.
Molecular consequence: missense variant.
Genome position (GRCh38, 1-based): chr5:132,603,488, A>G. VCF-style: chr5-132603488-A-G. GRCh37 (hg19) VCF-style: chr5-131939180-A-G.
Other names: short protein forms Q799R.
Identifiers: ClinVar variation 240225 (VCV000240225.12), dbSNP rs878854790, ClinGen allele CA10582382.
Genomic context (GRCh38, chr5:132,603,488, plus strand): 5'-TGCCTGAAGAAGAAAGTGCCAAAGTATGCCTGACAGATGTTACAATTATGGAGAGGTTCC[A>G]GGTAAGTTTATTGTAGTTTAAGGCAGAATAAAACTTGTTCCATGGTGGCTTGAATTTGAA-3'
Protein context (NP_005723.2, residues 789-809): LTDVTIMERF[Gln799Arg]MELKDVERKI